The following is an entry in ClinVar:

ClinVar aggregate classification (germline): Uncertain significance (1 of 4 stars; one submission).

Conditions:
Inborn genetic diseases. Identifiers: MedGen C0950123, MeSH D030342.

Submission:

Ambry Genetics
Classification: Uncertain significance for Inborn genetic diseases. Last evaluated: 2025-01-19. Review status: criteria provided, single submitter. Criteria: Ambry Variant Classification Scheme 2023. Collection method: clinical testing. Allele origin: germline.
Comment: The p.L451V variant (also known as c.1351C>G), located in coding exon 7 of the RECQL4 gene, results from a C to G substitution at nucleotide position 1351. The leucine at codon 451 is replaced by valine, an amino acid with highly similar properties. This amino acid position is conserved. In addition, this alteration is predicted to be tolerated by in silico analysis. Based on the available evidence, the clinical significance of this variant remains unclear.

NM_004260.4(RECQL4):c.1351C>G (p.Leu451Val)

Gene: RECQL4 (RecQ like helicase 4; minus strand). Cytogenetic location: 8q24.3.
Variant type: single nucleotide variant.
Coding change: c.1351C>G on transcript NM_004260.4 (MANE Select); coding-DNA position 1351, C replaced by G.
Protein change: p.Leu451Val; replaces leucine 451 with valine.
Molecular consequence: missense variant. On other transcripts: 5 prime UTR variant (1), non-coding transcript variant (3).
Genome position (GRCh38, 1-based): chr8:144,515,365, G>C on the plus strand (C>G on the coding strand, the complement: RECQL4 is on the minus strand). VCF-style: chr8-144515365-G-C. GRCh37 (hg19) VCF-style: chr8-145740749-G-C.
Other names: c.1255C>G, p.Leu419Val (NM_001413017.1, NM_001413020.1); c.1351C>G, p.Leu451Val (NM_001413018.1, NM_001413019.1, NM_001413033.1 and 2 more transcripts); c.280C>G, p.Leu94Val (NM_001413021.1, NM_001413022.1, NM_001413023.1 and 8 more transcripts); c.1222C>G, p.Leu408Val (NM_001413025.1); c.214C>G, p.Leu72Val (NM_001413027.1, NM_001413030.1, NM_001413031.1 and 2 more transcripts); c.1000C>G, p.Leu334Val (NM_001413029.1); c.-117C>G (NM_001413043.1); short protein forms L334V, L419V, L94V, L408V, L451V, L72V.
Identifiers: ClinVar variation 3788002 (VCV003788002.1).